The following is an entry in ClinVar:

NM_152594.3(SPRED1):c.47G>A (p.Arg16Gln)

Gene: SPRED1 (sprouty related EVH1 domain containing 1; plus strand). Cytogenetic location: 15q14.
Variant type: single nucleotide variant.
Coding change: c.47G>A on transcript NM_152594.3 (MANE Select); coding-DNA position 47, G replaced by A.
Protein change: p.Arg16Gln; replaces arginine 16 with glutamine.
Molecular consequence: missense variant.
Genome position (GRCh38, 1-based): chr15:38,299,387, G>A. VCF-style: chr15-38299387-G-A. GRCh37 (hg19) VCF-style: chr15-38591588-G-A.
Other names: short protein forms R16Q.
Identifiers: ClinVar variation 981594 (VCV000981594.11), dbSNP rs757726772, ClinGen allele CA7469988.
Genomic context (GRCh38, chr15:38,299,387, plus strand): 5'-TTTTGTTTATGGAAAAGCTAATTCCTGATCTTTGCATCTATTTTAGTAATAGTTATGCAC[G>A]AGTGCGAGCTGTGGTGATGACCCGAGATGACTCAAGTGGTGGATGGTTACCACTTGGAGG-3'
Protein context (NP_689807.1, residues 6-26): ATSDNDNSYA[Arg16Gln]VRAVVMTRDD

ClinVar aggregate classification (germline): Uncertain significance. Review status: criteria provided, multiple submitters, no conflicts (2 of 4 stars). 4 submissions from 4 submitters: Uncertain significance (3). 1 of the submissions does not count toward it. Last evaluated 2025-10-20.

Conditions:
Cardiovascular phenotype. Identifiers: MedGen CN230736.
Legius syndrome. Identifiers: Orphanet 137605, MedGen C1969623, MONDO:0012669, OMIM 611431. Disease mechanism: loss of function.
Noonan syndrome (NS). Also called: Noonan's syndrome. Identifiers: Orphanet 648, MedGen C0028326, MeSH D009634, MONDO:0018997. Disease mechanism: gain of function.

Allele frequency attached by ClinVar (database versions not stated): TOPMed 0.00001.
gnomAD v4.1: 6 of 1,613,666 alleles (0.00037%); highest among the groups gnomAD compares: African/African-American, 0.004%; no homozygotes.

Submissions (4):

Labcorp Genetics (formerly Invitae), Labcorp
Classification: Uncertain significance for Legius syndrome. Last evaluated: 2025-10-20. Review status: criteria provided, single submitter. Criteria: Invitae Variant Classification Sherloc (09022015). Collection method: clinical testing. Allele origin: germline.
Comment: This sequence change replaces arginine, which is basic and polar, with glutamine, which is neutral and polar, at codon 16 of the SPRED1 protein (p.Arg16Gln). This variant is present in population databases (rs757726772, gnomAD 0.003%). This variant has not been reported in the literature in individuals affected with SPRED1-related conditions. ClinVar contains an entry for this variant (Variation ID: 981594). Invitae Evidence Modeling of protein sequence and biophysical properties (such as structural, functional, and spatial information, amino acid conservation, physicochemical variation, residue mobility, and thermodynamic stability) indicates that this missense variant is not expected to disrupt SPRED1 protein function with a negative predictive value of 80%. In summary, the available evidence is currently insufficient to determine the role of this variant in disease. Therefore, it has been classified as a Variant of Uncertain Significance.

Ambry Genetics
Classification: Uncertain significance for Cardiovascular phenotype. Last evaluated: 2024-01-27. Review status: criteria provided, single submitter. Criteria: Ambry Variant Classification Scheme 2023. Collection method: clinical testing. Allele origin: germline.
Comment: The p.R16Q variant (also known as c.47G>A), located in coding exon 2 of the SPRED1 gene, results from a G to A substitution at nucleotide position 47. The arginine at codon 16 is replaced by glutamine, an amino acid with highly similar properties. This amino acid position is conserved. In addition, the in silico prediction for this alteration is inconclusive. Based on the available evidence, the clinical significance of this alteration remains unclear.

GeneDx
Classification: Uncertain significance. Last evaluated: 2023-05-09. Review status: criteria provided, single submitter. Criteria: GeneDx Variant Classification Process June 2021. Collection method: clinical testing. Allele origin: germline. Affected: yes.
Comment: Not observed at significant frequency in large population cohorts (gnomAD); In silico analysis supports that this missense variant has a deleterious effect on protein structure/function; Has not been previously published as pathogenic or benign to our knowledge

Service de Génétique Moléculaire, Hôpital Robert Debré
Classification: Uncertain significance for Noonan syndrome. Review status: no assertion criteria provided. Collection method: clinical testing. Allele origin: unknown. Affected: yes. Not counted in ClinVar's aggregate classification.